The following is an entry in ClinVar:

ClinVar aggregate classification (germline): Uncertain significance. Review status: criteria provided, multiple submitters, no conflicts (2 of 4 stars). 2 submissions from 2 submitters: Uncertain significance (2). Last evaluated 2025-01-01.

Conditions:
RYR1-related disorder. Also called: RYR1-related condition; RYR1-related disorders. Identifiers: MedGen CN239331.

Submissions (2):

Labcorp Genetics (formerly Invitae), Labcorp
Classification: Uncertain significance for RYR1-related disorder. Last evaluated: 2025-01-01. Review status: criteria provided, single submitter. Criteria: Invitae Variant Classification Sherloc (09022015). Collection method: clinical testing. Allele origin: germline.
Comment: This sequence change replaces glycine, which is neutral and non-polar, with arginine, which is basic and polar, at codon 2665 of the RYR1 protein (p.Gly2665Arg). This variant is not present in population databases (gnomAD no frequency). This variant has not been reported in the literature in individuals affected with RYR1-related conditions. Invitae Evidence Modeling of protein sequence and biophysical properties (such as structural, functional, and spatial information, amino acid conservation, physicochemical variation, residue mobility, and thermodynamic stability) indicates that this missense variant is not expected to disrupt RYR1 protein function with a negative predictive value of 80%. In summary, the available evidence is currently insufficient to determine the role of this variant in disease. Therefore, it has been classified as a Variant of Uncertain Significance.

GeneDx
Classification: Uncertain significance. Last evaluated: 2024-06-14. Review status: criteria provided, single submitter. Criteria: GeneDx Variant Classification Process June 2021. Collection method: clinical testing. Allele origin: germline. Affected: yes.
Comment: Not observed at significant frequency in large population cohorts (gnomAD); In silico analysis supports that this missense variant has a deleterious effect on protein structure/function; Has not been previously published as pathogenic or benign to our knowledge; This variant is associated with the following publications: (PMID: 12668474)

NM_000540.3(RYR1):c.7993G>A (p.Gly2665Arg)

Gene: RYR1 (ryanodine receptor 1; plus strand). Cytogenetic location: 19q13.2.
Variant type: single nucleotide variant.
Coding change: c.7993G>A on transcript NM_000540.3 (MANE Select); coding-DNA position 7993, G replaced by A.
Protein change: p.Gly2665Arg; replaces glycine 2665 with arginine.
Molecular consequence: missense variant.
Genome position (GRCh38, 1-based): chr19:38,504,286, G>A. VCF-style: chr19-38504286-G-A. GRCh37 (hg19) VCF-style: chr19-38994926-G-A.
Other names: c.7993G>A, p.Gly2665Arg (NM_001042723.2); short protein forms G2665R.
Identifiers: ClinVar variation 3390524 (VCV003390524.3).